The following is an entry in ClinVar:

ClinVar aggregate classification (germline): Uncertain significance. Review status: criteria provided, multiple submitters, no conflicts (2 of 4 stars). 2 submissions from 2 submitters: Uncertain significance (2). Last evaluated 2024-07-02.

Conditions:
CHARGE syndrome (CHARGE). Also called: Hittner Hirsch Kreh syndrome; CHARGE ASSOCIATION--COLOBOMA, HEART ANOMALY, CHOANAL ATRESIA, RETARDATION, GENITAL AND EAR ANOMALIES; Coloboma, heart anomaly, choanal atresia, retardation, genital and ear anomalies; CHARGE association; Hall-Hittner syndrome. Identifiers: Orphanet 138, MedGen C0265354, MONDO:0008965.

Allele frequency attached by ClinVar (database versions not stated): gnomAD exomes below 0.00001.

Submissions (2):

GeneDx
Classification: Uncertain significance. Last evaluated: 2024-07-02. Review status: criteria provided, single submitter. Criteria: GeneDx Variant Classification Process June 2021. Collection method: clinical testing. Allele origin: germline. Affected: yes.
Comment: Not observed at significant frequency in large population cohorts (gnomAD); In-frame duplication of 1 amino acid in a non-repeat region; Has not been previously published as pathogenic or benign to our knowledge

Labcorp Genetics (formerly Invitae), Labcorp
Classification: Uncertain significance for CHARGE syndrome. Last evaluated: 2022-08-21. Review status: criteria provided, single submitter. Criteria: Invitae Variant Classification Sherloc (09022015). Collection method: clinical testing. Allele origin: germline.
Comment: This variant, c.2820_2822dup, results in the insertion of 1 amino acid(s) of the CHD7 protein (p.Glu941dup), but otherwise preserves the integrity of the reading frame. This variant is not present in population databases (gnomAD no frequency). This variant has not been reported in the literature in individuals affected with CHD7-related conditions. In summary, the available evidence is currently insufficient to determine the role of this variant in disease. Therefore, it has been classified as a Variant of Uncertain Significance.

NM_017780.4(CHD7):c.2820_2822dup (p.Glu941_Thr942insGlu)

Gene: CHD7 (chromodomain helicase DNA binding protein 7; plus strand). Cytogenetic location: 8q12.2.
Variant type: Duplication.
Coding change: c.2820_2822dup on transcript NM_017780.4 (MANE Select); coding-DNA positions 2820 to 2822, 3 bases duplicated (GGA; older notation c.2820_2822dupGGA).
Protein change: p.Glu941_Thr942insGlu.
Molecular consequence: inframe insertion. On other transcripts: intron variant (1).
Genome position (GRCh38, 1-based): chr8:60,821,912-60,821,914, GGA duplicated. VCF-style (leftmost placement, unchanged base first): chr8-60821911-C-CGGA. GRCh37 (hg19) VCF-style: chr8-61734470-C-CGGA.
Other names: c.1717-40317_1717-40315dup (NM_001316690.1).
Identifiers: ClinVar variation 2025799 (VCV002025799.5), dbSNP rs2487805738, ClinGen allele CA2580078445.
Genomic context (GRCh38, chr8:60,821,911, plus strand): 5'-GGAGGCAGGACATAGATCAAGCAAAGATCGAGGAGTTTGAGAAACTAATGTCCAGGGAGC[C>CGGA]GGAAACAGAGCGTGTGGTAAGAATTGGCTGATGGTAGAGAATTTAATTTGAAAATAGCAT-3'